The following is an entry in ClinVar:

ClinVar aggregate classification (germline): Uncertain significance (1 of 4 stars; one submission).

Conditions:
Pontocerebellar hypoplasia, type 14. Identifiers: Orphanet 613274, MedGen C5543322, MONDO:0030258, OMIM 619301.

Submission:

Institute of Human Genetics, University of Leipzig Medical Center
Classification: Uncertain significance for Pontocerebellar hypoplasia, type 14. Last evaluated: 2023-03-03. Review status: criteria provided, single submitter. Criteria: ACMG Guidelines, 2015. Collection method: clinical testing. Allele origin: unknown. Affected: yes.
Comment: _x000D_This variant was identified as compound heterozygous with NM_016059.5:c.349G>A. Criteria applied: PM2_SUP

NM_016059.5(PPIL1):c.350C>A (p.Ala117Asp)

Gene: PPIL1 (peptidylprolyl isomerase like 1; minus strand). Cytogenetic location: 6p21.2.
Variant type: single nucleotide variant.
Coding change: c.350C>A on transcript NM_016059.5 (MANE Select); coding-DNA position 350, C replaced by A.
Protein change: p.Ala117Asp; replaces alanine 117 with aspartic acid.
Molecular consequence: missense variant.
Genome position (GRCh38, 1-based): chr6:36,855,964, G>T on the plus strand (C>A on the coding strand, the complement: PPIL1 is on the minus strand). VCF-style: chr6-36855964-G-T. GRCh37 (hg19) VCF-style: chr6-36823740-G-T.
Other names: short protein forms A117D.
Identifiers: ClinVar variation 2500349 (VCV002500349.1), dbSNP rs201473369, ClinGen allele CA3781428.